The following is an entry in ClinVar:

ClinVar aggregate classification (germline): Uncertain significance (1 of 4 stars; one submission).

Conditions:
Leukodystrophy, hypomyelinating, 6. Also called: Hypomyelination with Atrophy of Basal Ganglia and Cerebellum (H-ABC); LEUKODYSTROPHY, HYPOMYELINATING, WITH ATROPHY OF THE BASAL GANGLIA AND CEREBELLUM; TUBB4A-Associated Leukodystrophy. Identifiers: Orphanet 139441, MedGen C2676244, MONDO:0012905, OMIM 612438.

Allele frequency attached by ClinVar (database versions not stated): ExAC 0.00001; gnomAD 0.00001; gnomAD exomes 0.00001; TOPMed 0.00003.
gnomAD v4.1: 4 of 1,613,934 alleles (0.00025%); highest among the groups gnomAD compares: South Asian, 0.0022%; no homozygotes.

Submission:

Labcorp Genetics (formerly Invitae), Labcorp
Classification: Uncertain significance for Leukodystrophy, hypomyelinating, 6. Last evaluated: 2022-10-10. Review status: criteria provided, single submitter. Criteria: Invitae Variant Classification Sherloc (09022015). Collection method: clinical testing. Allele origin: germline.
Comment: In summary, the available evidence is currently insufficient to determine the role of this variant in disease. Therefore, it has been classified as a Variant of Uncertain Significance. Advanced modeling of protein sequence and biophysical properties (such as structural, functional, and spatial information, amino acid conservation, physicochemical variation, residue mobility, and thermodynamic stability) performed at Invitae indicates that this missense variant is expected to disrupt TUBB4A protein function. This variant has not been reported in the literature in individuals affected with TUBB4A-related conditions. The frequency data for this variant in the population databases is considered unreliable, as metrics indicate poor data quality at this position in the gnomAD database. This sequence change replaces alanine, which is neutral and non-polar, with threonine, which is neutral and polar, at codon 365 of the TUBB4A protein (p.Ala365Thr).

NM_006087.4(TUBB4A):c.1093G>A (p.Ala365Thr)

Gene: TUBB4A (tubulin beta 4A class IVa; minus strand). Cytogenetic location: 19p13.3.
Variant type: single nucleotide variant.
Coding change: c.1093G>A on transcript NM_006087.4 (MANE Select); coding-DNA position 1093, G replaced by A.
Protein change: p.Ala365Thr; replaces alanine 365 with threonine.
Molecular consequence: missense variant.
Genome position (GRCh38, 1-based): chr19:6,495,406, C>T on the plus strand (G>A on the coding strand, the complement: TUBB4A is on the minus strand). VCF-style: chr19-6495406-C-T. GRCh37 (hg19) VCF-style: chr19-6495417-C-T.
Other names: c.1246G>A, p.Ala416Thr (NM_001289123.2); c.1228G>A, p.Ala410Thr (NM_001289127.2); c.1093G>A, p.Ala365Thr (NM_001289129.2); c.877G>A, p.Ala293Thr (NM_001289130.2, NM_001289131.2); short protein forms A416T, A365T, A410T, A293T.
Identifiers: ClinVar variation 2197979 (VCV002197979.4), dbSNP rs750399286, ClinGen allele CA9127271.